The following is an entry in ClinVar:

NM_014319.5(LEMD3):c.1921+3A>C

Gene: LEMD3 (LEM domain containing 3; plus strand). Cytogenetic location: 12q14.3.
Variant type: single nucleotide variant.
Coding change: c.1921+3A>C on transcript NM_014319.5 (MANE Select); 3 bases into the intron after coding-DNA position 1921, A replaced by C.
Molecular consequence: intron variant.
Genome position (GRCh38, 1-based): chr12:65,238,817, A>C. VCF-style: chr12-65238817-A-C. GRCh37 (hg19) VCF-style: chr12-65632597-A-C.
Other names: c.1918+3A>C (NM_001167614.2).
Identifiers: ClinVar variation 4818741 (VCV004818741.1).

ClinVar aggregate classification (germline): Uncertain significance (1 of 4 stars; one submission).

Conditions:
Multiple monogenic benign skin tumours.

gnomAD v4.1: 1 of 1,613,928 alleles (0.000062%); highest among the groups gnomAD compares: Non-Finnish European, 0.000085%; no homozygotes.

Submission:

Genetics Laboratory, Great Ormond Street Hospital NHS Foundation Trust, North Thames Genomic Laboratory Hub
Classification: Uncertain significance for Multiple monogenic benign skin tumours. Last evaluated: 2026-01-29. Review status: criteria provided, single submitter. Criteria: ACGS Best Practice Guidelines for Variant Classification in Rare Disease 2024 v1.2. Collection method: clinical testing. Allele origin: germline. Affected: yes.
Comment: PM2_moderate, PP3_supporting, PP4_supporting